The following is an entry in ClinVar:

ClinVar aggregate classification (germline): Likely benign (0 of 4 stars; one submission).

Conditions:
TEK-related disorder. Also called: TEK-related condition.

Submission:

PreventionGenetics, part of Exact Sciences
Classification: Likely benign for TEK-related condition. Last evaluated: 2019-07-16. Review status: no assertion criteria provided. Collection method: clinical testing. Allele origin: germline.
Comment: This variant is classified as likely benign based on ACMG/AMP sequence variant interpretation guidelines (Richards et al. 2015 PMID: 25741868, with internal and published modifications).

NM_000459.5(TEK):c.761-14_761-10del

Gene: TEK (TEK receptor tyrosine kinase; plus strand). Cytogenetic location: 9p21.2.
Variant type: Microsatellite.
Coding change: c.761-14_761-10del on transcript NM_000459.5 (MANE Select); 14 bases into the intron before coding-DNA position 761 through 10 bases into the intron before coding-DNA position 761, 5 bases deleted (TTTTC; older notation c.761-14_761-10delTTTTC).
Molecular consequence: intron variant.
Genome position (GRCh38, 1-based): chr9:27,173,208-27,173,212, TTTTC deleted; deleting any 5 consecutive bases within chr9:27,173,201-27,173,212 gives the same sequence; the c. name uses the placement nearest the transcript's 3' end. VCF-style (leftmost placement, unchanged base first): chr9-27173200-ATCTTT-A. GRCh37 (hg19) VCF-style: chr9-27173198-ATCTTT-A.
Other names: c.761-14_761-10del (NM_001290077.2, NM_001375475.1, NM_001375476.1); c.449-14_449-10del (NM_001290078.2).
Identifiers: ClinVar variation 3050801 (VCV003050801.2), dbSNP rs1312170593, ClinGen allele CA587124044.